The following is an entry in ClinVar:

NM_001429.4(EP300):c.2754G>C (p.Gln918His)

Gene: EP300 (EP300 lysine acetyltransferase; plus strand). Cytogenetic location: 22q13.2.
Variant type: single nucleotide variant.
Coding change: c.2754G>C on transcript NM_001429.4 (MANE Select); coding-DNA position 2754, G replaced by C.
Protein change: p.Gln918His; replaces glutamine 918 with histidine.
Molecular consequence: missense variant.
Genome position (GRCh38, 1-based): chr22:41,150,135, G>C. VCF-style: chr22-41150135-G-C. GRCh37 (hg19) VCF-style: chr22-41546139-G-C.
Other names: c.2676G>C, p.Gln892His (NM_001362843.2); short protein forms Q892H, Q918H.
Identifiers: ClinVar variation 3089282 (VCV003089282.4), dbSNP rs774092833, ClinGen allele CA10252934.

ClinVar aggregate classification (germline): Conflicting classifications of pathogenicity. Review status: criteria provided, conflicting classifications (1 of 4 stars). 4 submissions from 4 submitters: Uncertain significance (1); Benign (1); Likely benign (2). Last evaluated 2025-10-20.

Conditions:
Inborn genetic diseases. Identifiers: MedGen C0950123, MeSH D030342.
Rubinstein-Taybi syndrome due to EP300 haploinsufficiency. Also called: EP300-Related Rubinstein-Taybi Syndrome; RUBINSTEIN-TAYBI SYNDROME 2. Identifiers: Orphanet 353284, Orphanet 783, MedGen C3150941, MONDO:0013364, OMIM 613684.
EP300-related disorder. Also called: EP300-related condition; EP300-related disorders.

Allele frequency attached by ClinVar (database versions not stated): gnomAD exomes 0.00002; ExAC 0.00003; gnomAD 0.00004; TOPMed 0.00004.
gnomAD v4.1: 42 of 1,612,578 alleles (0.0026%); highest among the groups gnomAD compares: Non-Finnish European, 0.00017%; no homozygotes.

Submissions (4):

Labcorp Genetics (formerly Invitae), Labcorp
Classification: Benign for Rubinstein-Taybi syndrome due to EP300 haploinsufficiency. Last evaluated: 2025-10-20. Review status: criteria provided, single submitter. Criteria: Invitae Variant Classification Sherloc (09022015). Collection method: clinical testing. Allele origin: germline.

Laboratory of Genetics, Children's Clinical University Hospital Latvia
Classification: Likely benign. Last evaluated: 2025-02-16. Review status: criteria provided, single submitter. Criteria: ACMG Guidelines, 2015. Collection method: clinical testing. Allele origin: germline. Affected: yes.

PreventionGenetics, part of Exact Sciences
Classification: Uncertain significance for EP300-related condition. Last evaluated: 2025-01-03. Review status: criteria provided, single submitter. Criteria: ACMG Guidelines, 2015. Collection method: clinical testing. Allele origin: germline.
Comment: The EP300 c.2754G>C variant is predicted to result in the amino acid substitution p.Gln918His. To our knowledge, this variant has not been reported in the literature. This variant is reported in 0.058% of alleles in individuals of Ashkenazi Jewish descent in gnomAD, which may be too frequent for an undocumented disease causing variant. Although we suspect that this variant may be benign, at this time, the clinical significance of this variant is uncertain due to the absence of conclusive functional and genetic evidence.

Ambry Genetics
Classification: Likely benign for Inborn genetic diseases. Last evaluated: 2023-09-29. Review status: criteria provided, single submitter. Criteria: Ambry Variant Classification Scheme 2023. Collection method: clinical testing. Allele origin: germline.